The following is an entry in ClinVar:

G1122fs

Gene: COL18A1 (collagen type XVIII alpha 1 chain; plus strand).
Variant type: Deletion.
Molecular consequence: frameshift variant (on NM_001379500.1).
Other names: NM_130445.2:c.2824_2831del; c.2824_2831del, p.Gly942fs (NM_001379500.1); c.3364_3371del, p.Gly1122fs (NM_030582.4); c.4069_4076del, p.Gly1357fs (NM_130444.3); short protein forms G1122fs, G1357fs, G942fs.
Identifiers: ClinVar variation 3774947 (VCV003774947.1).

ClinVar aggregate classification (germline): Uncertain significance (1 of 4 stars; one submission).

Submission:

GeneDx
Classification: Uncertain significance. Last evaluated: 2023-10-07. Review status: criteria provided, single submitter. Criteria: GeneDx Variant Classification Process June 2021. Collection method: clinical testing. Allele origin: germline. Affected: yes.
Comment: Frameshift variant predicted to result in protein truncation or nonsense mediated decay in a gene for which loss of function is a known mechanism of disease; Reported in a patient with an inherited retinal disorder; however, specific clinical information was not provided (Turro et al., 2020); This variant is associated with the following publications: (PMID: 32581362)